The following is an entry in ClinVar:

NM_002435.3(MPI):c.169G>A (p.Gly57Arg)

Gene: MPI (mannose phosphate isomerase; plus strand). Cytogenetic location: 15q24.1.
Variant type: single nucleotide variant.
Coding change: c.169G>A on transcript NM_002435.3 (MANE Select); coding-DNA position 169, G replaced by A.
Protein change: p.Gly57Arg; replaces glycine 57 with arginine.
Molecular consequence: missense variant.
Genome position (GRCh38, 1-based): chr15:74,891,403, G>A. VCF-style: chr15-74891403-G-A. GRCh37 (hg19) VCF-style: chr15-75183744-G-A.
Other names: c.19G>A, p.Gly7Arg (NM_001289156.2); c.169G>A, p.Gly57Arg (NM_001289157.2, NM_001289155.2); c.109G>A, p.Gly37Arg (NM_001330372.2); short protein forms G37R, G57R, G7R.
Identifiers: ClinVar variation 1012293 (VCV001012293.3), dbSNP rs1225376562, ClinGen allele CA393170917.

ClinVar aggregate classification (germline): Likely pathogenic (0 of 4 stars; one submission).

Conditions:
MPI-congenital disorder of glycosylation. Also called: CONGENITAL DISORDER OF GLYCOSYLATION, TYPE Ib; MANNOSEPHOSPHATE ISOMERASE DEFICIENCY; MPI-CDG; PROTEIN-LOSING ENTEROPATHY-HEPATIC FIBROSIS SYNDROME; MPI DEFICIENCY; CDG Ib. Identifiers: Orphanet 79319, MedGen C1865145, MONDO:0011257, OMIM 602579.

Submission:

Biochemistry and Genetic Laboratory, APHP Bichat Claude Bernard Hospital
Classification: Likely pathogenic for MPI-congenital disorder of glycosylation. Last evaluated: 2020-11-19. Review status: no assertion criteria provided. Collection method: clinical testing. Allele origin: maternal. Inheritance: Autosomal recessive inheritance. Affected: yes. Observed: 1 variant allele, 1 compound heterozygote.
Comment: The c.169G>A, p.Gly57Arg variant was absent from the gnomAD and dbSNP databases. These results are in favor of a MPI-CDG of autosomal recessive transmission.